The following is an entry in ClinVar:

ClinVar aggregate classification (germline): Uncertain significance (1 of 4 stars; one submission).

Conditions:
Combined oxidative phosphorylation deficiency 39. Identifiers: Orphanet 565624, MedGen C5193075, MONDO:0032726, OMIM 618397.

Allele frequency attached by ClinVar (database versions not stated): gnomAD 0.00001; TOPMed 0.00002.
gnomAD v4.1: 10 of 1,610,026 alleles (0.00062%); highest among the groups gnomAD compares: Non-Finnish European, 0.00085%; no homozygotes.

Submission:

Victorian Clinical Genetics Services, Murdoch Childrens Research Institute
Classification: Uncertain significance for Combined oxidative phosphorylation deficiency 39. Last evaluated: 2019-08-28. Review status: criteria provided, single submitter. Criteria: ACMG Guidelines, 2015. Collection method: clinical testing. Allele origin: germline. Inheritance: Autosomal recessive inheritance.
Comment: A heterozygous missense variant, NM_032380.4(GFM2):c.1758G>C, has been identified in exon 18 of 21 of the GFM2 gene. The variant is predicted to result in a major amino acid change from arginine to serine at position 586 of the protein (NP_115756.2(GFM2):p.(Arg586Ser)). The arginine residue at this position has low conservation (100 vertebrates, UCSC), and is located within the Elongation factor G, domain IV functional domain. In silico predictions of pathogenicity for this variant are conflicting (Polyphen, SIFT, CADD, Mutation Taster). The variant is absent in population databases (gnomAD) and has not been previously reported in clinical cases. Based on the information available at the time of curation, this variant has been classified as a VARIANT of UNCERTAIN SIGNIFICANCE (VUS).

NM_032380.5(GFM2):c.1758G>C (p.Arg586Ser)

Gene: GFM2 (GTP dependent ribosome recycling factor mitochondrial 2; minus strand). Cytogenetic location: 5q13.3.
Variant type: single nucleotide variant.
Coding change: c.1758G>C on transcript NM_032380.5 (MANE Select); coding-DNA position 1758, G replaced by C.
Protein change: p.Arg586Ser; replaces arginine 586 with serine.
Molecular consequence: missense variant. On other transcripts: non-coding transcript variant (1).
Genome position (GRCh38, 1-based): chr5:74,726,095, C>G on the plus strand (G>C on the coding strand, the complement: GFM2 is on the minus strand). VCF-style: chr5-74726095-C-G. GRCh37 (hg19) VCF-style: chr5-74021920-C-G.
Other names: c.1854G>C, p.Arg618Ser (NM_001281302.2); c.1617G>C, p.Arg539Ser (NM_170691.3); short protein forms R539S, R586S, R618S.
Identifiers: ClinVar variation 1805680 (VCV001805680.1), dbSNP rs767624997, ClinGen allele CA360077180.